The following is an entry in ClinVar:

ClinVar aggregate classification (germline): Uncertain significance (1 of 4 stars; one submission).

gnomAD v4.1: 1 of 1,614,198 alleles (0.000062%); highest among the groups gnomAD compares: Non-Finnish European, 0.000085%; no homozygotes.

Submission:

Labcorp Genetics (formerly Invitae), Labcorp
Classification: Uncertain significance. Last evaluated: 2025-01-15. Review status: criteria provided, single submitter. Criteria: Invitae Variant Classification Sherloc (09022015). Collection method: clinical testing. Allele origin: germline.
Comment: This sequence change creates a premature translational stop signal (p.Gln298*) in the LOXL3 gene. It is expected to result in an absent or disrupted protein product. However, the current clinical and genetic evidence is not sufficient to establish whether loss-of-function variants in LOXL3 cause disease. This variant is present in population databases (no rsID available, gnomAD 0.0009%). This variant has not been reported in the literature in individuals affected with LOXL3-related conditions. ClinVar contains an entry for this variant (Variation ID: 2006109). Algorithms developed to predict the effect of sequence changes on RNA splicing suggest that this variant may disrupt the consensus splice site. In summary, the available evidence is currently insufficient to determine the role of this variant in disease. Therefore, it has been classified as a Variant of Uncertain Significance.

NM_032603.5(LOXL3):c.892C>T (p.Gln298Ter)

Gene: LOXL3 (lysyl oxidase like 3; minus strand). Cytogenetic location: 2p13.1.
Variant type: single nucleotide variant.
Coding change: c.892C>T on transcript NM_032603.5 (MANE Select); coding-DNA position 892, C replaced by T.
Protein change: p.Gln298Ter; replaces glutamine 298 with a stop codon.
Molecular consequence: nonsense. On other transcripts: intron variant (2).
Genome position (GRCh38, 1-based): chr2:74,536,729, G>A on the plus strand (C>T on the coding strand, the complement: LOXL3 is on the minus strand). VCF-style: chr2-74536729-G-A. GRCh37 (hg19) VCF-style: chr2-74763856-G-A.
Other names: c.478-258C>T (NM_001289164.3); c.-171-258C>T (NM_001289165.2); short protein forms Q298*.
Identifiers: ClinVar variation 2006109 (VCV002006109.4), dbSNP rs1371636666, ClinGen allele CA347390852.
Genomic context (GRCh38, chr2:74,536,729, plus strand): 5'-CACCTGGGGTGGGAAAGGTCATAATCACTGTCTCACACACCTCCCCCTGAGGCTTCGACT[G>A]TTGTTGCTTCTTCTGGCCACTGGATGCCGCGTAGACAGGGCCTGGCACACAGCTCACCAC-3'